The following is an entry in ClinVar:

ClinVar aggregate classification (germline): Uncertain significance (1 of 4 stars; one submission).

Conditions:
Familial cancer of breast. Also called: hereditary breast carcinoma; Hereditary breast cancer; BREAST CANCER, FAMILIAL. Identifiers: Orphanet 227535, MedGen C0346153, MONDO:0016419, OMIM 114480. Disease mechanism: loss of function.

Submission:

Labcorp Genetics (formerly Invitae), Labcorp
Classification: Uncertain significance for Familial cancer of breast. Last evaluated: 2024-02-16. Review status: criteria provided, single submitter. Criteria: Invitae Variant Classification Sherloc (09022015). Collection method: clinical testing. Allele origin: germline.
Comment: This sequence change replaces leucine, which is neutral and non-polar, with phenylalanine, which is neutral and non-polar, at codon 348 of the CHEK2 protein (p.Leu348Phe). This variant is not present in population databases (gnomAD no frequency). This variant has not been reported in the literature in individuals affected with CHEK2-related conditions. ClinVar contains an entry for this variant (Variation ID: 2004956). An algorithm developed to predict the effect of missense changes on protein structure and function (PolyPhen-2) suggests that this variant is likely to be disruptive. In summary, the available evidence is currently insufficient to determine the role of this variant in disease. Therefore, it has been classified as a Variant of Uncertain Significance.

NM_007194.4(CHEK2):c.1044A>T (p.Leu348Phe)

Gene: CHEK2 (checkpoint kinase 2; minus strand). Cytogenetic location: 22q12.1.
Variant type: single nucleotide variant.
Coding change: c.1044A>T on transcript NM_007194.4 (MANE Select); coding-DNA position 1044, A replaced by T.
Protein change: p.Leu348Phe; replaces leucine 348 with phenylalanine.
Molecular consequence: missense variant. On other transcripts: intron variant (3).
Genome position (GRCh38, 1-based): chr22:28,696,952, T>A on the plus strand (A>T on the coding strand, the complement: CHEK2 is on the minus strand). VCF-style: chr22-28696952-T-A. GRCh37 (hg19) VCF-style: chr22-29092940-T-A.
Other names: c.1173A>T, p.Leu391Phe (NM_001005735.3); c.381A>T, p.Leu127Phe (NM_001257387.3, NM_001437942.1); c.843A>T, p.Leu281Phe (NM_001349956.3); c.1137A>T, p.Leu379Phe (NM_001438293.1); c.1009-1079A>T (NM_145862.3); c.1102-1079A>T (NM_001438295.1); c.1138-1079A>T (NM_001438294.1); short protein forms L127F, L281F, L391F, L348F, L379F.
Identifiers: ClinVar variation 2004956 (VCV002004956.4), dbSNP rs2517822097, ClinGen allele CA411097703.
Genomic context (GRCh38, chr22:28,696,952, plus strand): 5'-ATTTCTTACCTTTATAAGACAGTCCTCTTCTTGAGATGACAGTAAAACATTCTCTGGCTT[T>A]AAGTCACGGTGTATAATACCGTTTTCATGAAGGTACTACACAGAAAGGCAGGCATGACCC-3'
Protein context (NP_009125.1, residues 338-358): LHENGIIHRD[Leu348Phe]KPENVLLSSQ